The following is an entry in ClinVar:

ClinVar aggregate classification (germline): Uncertain significance. Review status: criteria provided, multiple submitters, no conflicts (2 of 4 stars). 2 submissions from 2 submitters: Uncertain significance (2). Last evaluated 2025-12-31.

Conditions:
Supravalvar aortic stenosis (SVAS). Also called: Supravalvar aortic stenosis, Eisenberg type. Identifiers: Orphanet 3193, MedGen C0003499, MONDO:0008504, OMIM 185500, HP:0004381.
Inborn genetic diseases. Identifiers: MedGen C0950123, MeSH D030342.

Allele frequency attached by ClinVar (database versions not stated): gnomAD exomes below 0.00001 and 0.00001.
gnomAD v4.1: 10 of 1,613,324 alleles (0.00062%); highest among the groups gnomAD compares: East Asian, 0.0045%; 1 homozygote.

Submissions (2):

Labcorp Genetics (formerly Invitae), Labcorp
Classification: Uncertain significance for Supravalvar aortic stenosis. Last evaluated: 2025-12-31. Review status: criteria provided, single submitter. Criteria: Invitae Variant Classification Sherloc (09022015). Collection method: clinical testing. Allele origin: germline.
Comment: This sequence change replaces threonine, which is neutral and polar, with alanine, which is neutral and non-polar, at codon 485 of the ELN protein (p.Thr485Ala). This variant is present in population databases (rs370603113, gnomAD 0.006%). This variant has not been reported in the literature in individuals affected with ELN-related conditions. ClinVar contains an entry for this variant (Variation ID: 1057345). Invitae Evidence Modeling of protein sequence and biophysical properties (such as structural, functional, and spatial information, amino acid conservation, physicochemical variation, residue mobility, and thermodynamic stability) indicates that this missense variant is not expected to disrupt ELN protein function with a negative predictive value of 80%. In summary, the available evidence is currently insufficient to determine the role of this variant in disease. Therefore, it has been classified as a Variant of Uncertain Significance.

Ambry Genetics
Classification: Uncertain significance for Inborn genetic diseases. Last evaluated: 2024-04-01. Review status: criteria provided, single submitter. Criteria: Ambry Variant Classification Scheme 2023. Collection method: clinical testing. Allele origin: germline.

NM_000501.4(ELN):c.1366A>G (p.Thr456Ala)

Gene: ELN (elastin; plus strand). Cytogenetic location: 7q11.23.
Variant type: single nucleotide variant.
Coding change: c.1366A>G on transcript NM_000501.4 (MANE Select); coding-DNA position 1366, A replaced by G.
Protein change: p.Thr456Ala; replaces threonine 456 with alanine.
Molecular consequence: missense variant. On other transcripts: intron variant (7).
Genome position (GRCh38, 1-based): chr7:74,057,648, A>G. VCF-style: chr7-74057648-A-G. GRCh37 (hg19) VCF-style: chr7-73471978-A-G.
Other names: c.1366A>G (NM_000501.2); c.1381A>G, p.Thr461Ala (NM_001081754.3); c.1366A>G, p.Thr456Ala (NM_001278912.2, NM_001278915.2); c.1336A>G, p.Thr446Ala (NM_001278917.2); c.1453A>G, p.Thr485Ala (NM_001278939.2); c.1372+935A>G (NM_001081753.3); c.1357+935A>G (NM_001081755.3); c.1315+935A>G (NM_001278916.2); and 4 more; short protein forms T446A, T456A, T461A, T485A.
Identifiers: ClinVar variation 1057345 (VCV001057345.10), dbSNP rs370603113, ClinGen allele CA160110094.